The following is an entry in ClinVar:

NM_006121.4(KRT1):c.907G>T (p.Ala303Ser)

Gene: KRT1 (keratin 1; minus strand). Cytogenetic location: 12q13.13.
Variant type: single nucleotide variant.
Coding change: c.907G>T on transcript NM_006121.4 (MANE Select); coding-DNA position 907, G replaced by T.
Protein change: p.Ala303Ser; replaces alanine 303 with serine.
Molecular consequence: missense variant.
Genome position (GRCh38, 1-based): chr12:52,677,706, C>A on the plus strand (G>T on the coding strand, the complement: KRT1 is on the minus strand). VCF-style: chr12-52677706-C-A. GRCh37 (hg19) VCF-style: chr12-53071490-C-A.
Other names: short protein forms A303S.
Identifiers: ClinVar variation 4822945 (VCV004822945.4).

ClinVar aggregate classification (germline): Uncertain significance (1 of 4 stars; one submission).

Submission:

CeGaT Center for Human Genetics Tuebingen
Classification: Uncertain significance. Last evaluated: 2026-01-01. Review status: criteria provided, single submitter. Criteria: CeGaT Center For Human Genetics Tuebingen Variant Classification Criteria Version 2. Collection method: clinical testing. Allele origin: germline. Affected: yes. Observed: 1 variant allele.
Comment: KRT1: PM2